The following is an entry in ClinVar:

NM_017617.5(NOTCH1):c.5572A>C (p.Met1858Leu)

Gene: NOTCH1 (notch receptor 1; minus strand). Cytogenetic location: 9q34.3.
Variant type: single nucleotide variant.
Coding change: c.5572A>C on transcript NM_017617.5 (MANE Select); coding-DNA position 5572, A replaced by C.
Protein change: p.Met1858Leu; replaces methionine 1858 with leucine.
Molecular consequence: missense variant.
Genome position (GRCh38, 1-based): chr9:136,501,814, T>G on the plus strand (A>C on the coding strand, the complement: NOTCH1 is on the minus strand). VCF-style: chr9-136501814-T-G. GRCh37 (hg19) VCF-style: chr9-139396266-T-G.
Other names: c.5572A>C, p.Met1858Leu (LRG_1122t1); short protein forms M1858L.
Identifiers: ClinVar variation 520094 (VCV000520094.22), dbSNP rs779337715, ClinGen allele CA5340207.
Genomic context (GRCh38, chr9:136,501,814, plus strand): 5'-CGCGGACATTGACGTCCATGCAGTCGGCGTCAACCTCACCCTGGGGCGGTGTGGGGGCCA[T>G]GGCAGACATGCGCAGGTCAGCGGCATCCAGGTGCTGCTGAGTCCACTGCCGGTGGTCTGT-3'
Protein context (NP_060087.3, residues 1848-1868): LDAADLRMSA[Met1858Leu]APTPPQGEVD

ClinVar aggregate classification (germline): Conflicting classifications of pathogenicity. Review status: criteria provided, conflicting classifications (1 of 4 stars). 6 submissions from 5 submitters: Uncertain significance (4); Benign (1); Likely benign (1). Last evaluated 2025-10-27.

Conditions:
Adams-Oliver syndrome 5 (AOS5). Identifiers: Orphanet 974, MedGen C4014970, MONDO:0014459, OMIM 616028.
Familial thoracic aortic aneurysm and aortic dissection (TAAD). Also called: Thoracic aortic aneurysms and dissections. Identifiers: Orphanet 91387, MedGen C4707243, MONDO:0019625.
Aortic valve disease 1 (AOVD1). Identifiers: MedGen C3887892, MONDO:0024523, OMIM 109730.

Allele frequency attached by ClinVar (database versions not stated): gnomAD 0.00001 and 0.00003; TOPMed 0.00009.

Submissions (6):

Labcorp Genetics (formerly Invitae), Labcorp
Classification: Benign for Adams-Oliver syndrome 5. Last evaluated: 2025-10-27. Review status: criteria provided, single submitter. Criteria: Invitae Variant Classification Sherloc (09022015). Collection method: clinical testing. Allele origin: germline.

Ambry Genetics
Classification: Uncertain significance for Familial thoracic aortic aneurysm and aortic dissection. Last evaluated: 2025-04-15. Review status: criteria provided, single submitter. Criteria: Ambry Variant Classification Scheme 2023. Collection method: clinical testing. Allele origin: germline.
Comment: The p.M1858L variant (also known as c.5572A>C), located in coding exon 30 of the NOTCH1 gene, results from an A to C substitution at nucleotide position 5572. The methionine at codon 1858 is replaced by leucine, an amino acid with highly similar properties. This amino acid position is not well conserved in available vertebrate species. In addition, this alteration is predicted to be tolerated by in silico analysis. Since supporting evidence is limited at this time, the clinical significance of this alteration remains unclear.

Women's Health and Genetics/Laboratory Corporation of America, LabCorp
Classification: Likely benign. Last evaluated: 2024-04-29. Review status: criteria provided, single submitter. Criteria: LabCorp Variant Classification Summary - May 2015. Collection method: clinical testing. Allele origin: germline.
Comment: Variant summary: NOTCH1 c.5572A>C (p.Met1858Leu) results in a conservative amino acid change in the encoded protein sequence. Three of four in-silico tools predict a benign effect of the variant on protein function. The variant allele was found at a frequency of 4.4e-05 in 247270 control chromosomes. The observed variant frequency is approximately 71 fold of the estimated maximal expected allele frequency for a pathogenic variant in NOTCH1 causing Adams-Oliver Syndrome 5 phenotype (6.3e-07), strongly suggesting that the variant is benign. To our knowledge, no occurrence of c.5572A>C in individuals affected with Adams-Oliver Syndrome 5 and no experimental evidence demonstrating its impact on protein function have been reported. ClinVar contains an entry for this variant (Variation ID: 520094). Based on the evidence outlined above, the variant was classified as likely benign.

Genome-Nilou Lab
Classification: Uncertain significance for Adams-Oliver syndrome 5. Last evaluated: 2022-03-15. Review status: criteria provided, single submitter. Criteria: ACMG Guidelines, 2015. Collection method: clinical testing. Allele origin: germline. Affected: no.

Genome-Nilou Lab
Classification: Uncertain significance for Aortic valve disease 1. Last evaluated: 2022-03-15. Review status: criteria provided, single submitter. Criteria: ACMG Guidelines, 2015. Collection method: clinical testing. Allele origin: germline. Affected: no.

GeneDx
Classification: Uncertain significance. Last evaluated: 2021-11-23. Review status: criteria provided, single submitter. Criteria: GeneDx Variant Classification Process June 2021. Collection method: clinical testing. Allele origin: germline. Affected: yes.
Comment: Has not been previously published as pathogenic or benign to our knowledge; In silico analysis supports that this missense variant does not alter protein structure/function; Reported in ClinVar as a variant of uncertain significance (ClinVar Variant ID# 520094; Landrum et al., 2016); This variant is associated with the following publications: (PMID: 26582918)